The following is an entry in ClinVar:

ClinVar aggregate classification (germline): Uncertain significance (1 of 4 stars; one submission).

Conditions:
Dyskeratosis congenita, autosomal dominant 6 (DKCA6). Identifiers: Orphanet 3322, MedGen C4225284, MONDO:0014690, OMIM 616553.

Submission:

Labcorp Genetics (formerly Invitae), Labcorp
Classification: Uncertain significance for Dyskeratosis congenita, autosomal dominant 6. Last evaluated: 2022-03-28. Review status: criteria provided, single submitter. Criteria: Invitae Variant Classification Sherloc (09022015). Collection method: clinical testing. Allele origin: germline.
Comment: This variant is not present in population databases (gnomAD no frequency). This sequence change replaces proline, which is neutral and non-polar, with serine, which is neutral and polar, at codon 541 of the ACD protein (p.Pro541Ser). In summary, the available evidence is currently insufficient to determine the role of this variant in disease. Therefore, it has been classified as a Variant of Uncertain Significance. Algorithms developed to predict the effect of missense changes on protein structure and function (SIFT, PolyPhen-2, Align-GVGD) all suggest that this variant is likely to be tolerated. This variant has not been reported in the literature in individuals affected with ACD-related conditions.

NM_001082486.2(ACD):c.1363C>T (p.Pro455Ser)

Gene: ACD (ACD shelterin complex subunit and telomerase recruitment factor; minus strand). Cytogenetic location: 16q22.1.
Variant type: single nucleotide variant.
Coding change: c.1363C>T on transcript NM_001082486.2 (MANE Select); coding-DNA position 1363, C replaced by T.
Protein change: p.Pro455Ser; replaces proline 455 with serine.
Molecular consequence: missense variant.
Genome position (GRCh38, 1-based): chr16:67,657,620, G>A on the plus strand (C>T on the coding strand, the complement: ACD is on the minus strand). VCF-style: chr16-67657620-G-A. GRCh37 (hg19) VCF-style: chr16-67691523-G-A.
Other names: c.1276C>T, p.Pro426Ser (NM_001410884.1); c.1354C>T, p.Pro452Ser (NM_022914.3); short protein forms P455S, P452S, P426S.
Identifiers: ClinVar variation 1901743 (VCV001901743.5), dbSNP rs2543595622, ClinGen allele CA396349525.